The following is an entry in ClinVar:

NM_000548.5(TSC2):c.4760G>A (p.Cys1587Tyr)

Gene: TSC2 (TSC complex subunit 2; plus strand). Cytogenetic location: 16p13.3.
Variant type: single nucleotide variant.
Coding change: c.4760G>A on transcript NM_000548.5 (MANE Select); coding-DNA position 4760, G replaced by A.
Protein change: p.Cys1587Tyr; replaces cysteine 1587 with tyrosine.
Molecular consequence: missense variant.
Genome position (GRCh38, 1-based): chr16:2,086,290, G>A. VCF-style: chr16-2086290-G-A. GRCh37 (hg19) VCF-style: chr16-2136291-G-A.
Other names: c.4559G>A, p.Cys1520Tyr (NM_001077183.3); c.4691G>A, p.Cys1564Tyr (NM_001114382.3); c.4451G>A, p.Cys1484Tyr (NM_001318827.2); c.4415G>A, p.Cys1472Tyr (NM_001318829.2); c.4028G>A, p.Cys1343Tyr (NM_001318831.2); c.4592G>A, p.Cys1531Tyr (NM_001318832.2); c.4562G>A, p.Cys1521Tyr (NM_001363528.2); c.4628G>A, p.Cys1543Tyr (NM_001370404.1); and 1 more; short protein forms C1472Y, C1484Y, C1587Y, C1343Y, C1520Y, C1521Y, C1531Y, C1544Y.
Identifiers: ClinVar variation 864512 (VCV000864512.9), dbSNP rs2090779491, ClinGen allele CA394307826.

ClinVar aggregate classification (germline): Uncertain significance (1 of 4 stars; one submission).

Conditions:
Tuberous sclerosis 2 (TSC2). Identifiers: Orphanet 805, MedGen C1860707, MONDO:0013199, OMIM 613254.

Submission:

Labcorp Genetics (formerly Invitae), Labcorp
Classification: Uncertain significance for Tuberous sclerosis 2. Last evaluated: 2023-04-06. Review status: criteria provided, single submitter. Criteria: Invitae Variant Classification Sherloc (09022015). Collection method: clinical testing. Allele origin: germline.
Comment: This sequence change replaces cysteine, which is neutral and slightly polar, with tyrosine, which is neutral and polar, at codon 1587 of the TSC2 protein (p.Cys1587Tyr). This variant is not present in population databases (gnomAD no frequency). This variant has not been reported in the literature in individuals affected with TSC2-related conditions. ClinVar contains an entry for this variant (Variation ID: 864512). Advanced modeling of protein sequence and biophysical properties (such as structural, functional, and spatial information, amino acid conservation, physicochemical variation, residue mobility, and thermodynamic stability) performed at Invitae indicates that this missense variant is not expected to disrupt TSC2 protein function. In summary, the available evidence is currently insufficient to determine the role of this variant in disease. Therefore, it has been classified as a Variant of Uncertain Significance.